The following is an entry in ClinVar:

ClinVar aggregate classification (germline): Likely benign (1 of 4 stars; one submission).

Submission:

Women's Health and Genetics/Laboratory Corporation of America, LabCorp
Classification: Likely benign. Last evaluated: 2024-06-26. Review status: criteria provided, single submitter. Criteria: LabCorp Variant Classification Summary - May 2015. Collection method: clinical testing. Allele origin: germline.
Comment: Variant summary: VWF c.7082-17C>T alters a nucleotide located at a position not widely known to affect splicing. Consensus agreement among computation tools predict no significant impact on normal splicing. However, these predictions have yet to be confirmed by functional studies. The frequency data for this variant in gnomAD is considered unreliable, as metrics indicate poor data quality at this position. To our knowledge, no occurrence of c.7082-17C>T in individuals affected with Von Willebrand Disease and no experimental evidence demonstrating its impact on protein function have been reported. No submitters have cited clinical-significance assessments for this variant to ClinVar. Based on the evidence outlined above, the variant was classified as likely benign.

NM_000552.5(VWF):c.7082-17C>T

Gene: VWF (von Willebrand factor; minus strand). Cytogenetic location: 12p13.31.
Variant type: single nucleotide variant.
Coding change: c.7082-17C>T on transcript NM_000552.5 (MANE Select); 17 bases into the intron before coding-DNA position 7082, C replaced by T.
Molecular consequence: intron variant.
Genome position (GRCh38, 1-based): chr12:5,982,008, G>A on the plus strand (C>T on the coding strand, the complement: VWF is on the minus strand). VCF-style: chr12-5982008-G-A. GRCh37 (hg19) VCF-style: chr12-6091174-G-A.
Identifiers: ClinVar variation 3339629 (VCV003339629.1).